The following is an entry in ClinVar:

ClinVar aggregate classification (germline): Benign/Likely benign. Review status: criteria provided, multiple submitters, no conflicts (2 of 4 stars). 2 submissions from 2 submitters: Benign (1); Likely benign (1). Last evaluated 2026-01-20.

Conditions:
Nemaline myopathy 2 (NEM2). Also called: Nemaline myopathy 2, autosomal recessive. Identifiers: MedGen C1850569, MONDO:0009725, OMIM 256030.

Allele frequency attached by ClinVar (database versions not stated): gnomAD exomes 0.00002; ExAC 0.00003; gnomAD 0.00003; TOPMed 0.00004; ESP Exome Variant Server 0.00016.
gnomAD v4.1: 38 of 1,613,622 alleles (0.0024%); highest among the groups gnomAD compares: African/African-American, 0.0067%; no homozygotes.

Submissions (2):

Labcorp Genetics (formerly Invitae), Labcorp
Classification: Benign for Nemaline myopathy 2. Last evaluated: 2026-01-20. Review status: criteria provided, single submitter. Criteria: Invitae Variant Classification Sherloc (09022015). Collection method: clinical testing. Allele origin: germline.

GeneDx
Classification: Likely benign. Last evaluated: 2016-06-20. Review status: criteria provided, single submitter. Criteria: GeneDx Variant Classification (06012015). Collection method: clinical testing. Allele origin: germline. Affected: yes.
Comment: This variant is considered likely benign or benign based on one or more of the following criteria: it is a conservative change, it occurs at a poorly conserved position in the protein, it is predicted to be benign by multiple in silico algorithms, and/or has population frequency not consistent with disease.

NM_001164508.2(NEB):c.17520G>A (p.Ala5840=)

Gene: NEB (nebulin; minus strand). Cytogenetic location: 2q23.3.
Variant type: single nucleotide variant.
Coding change: c.17520G>A on transcript NM_001164508.2 (MANE Select); coding-DNA position 17520, G replaced by A.
Protein change: p.Ala5840=; no amino-acid change (alanine 5840 retained).
Molecular consequence: synonymous variant.
Genome position (GRCh38, 1-based): chr2:151,569,283, C>T on the plus strand (G>A on the coding strand, the complement: NEB is on the minus strand). VCF-style: chr2-151569283-C-T. GRCh37 (hg19) VCF-style: chr2-152425797-C-T.
Other names: c.17520G>A, p.Ala5840= (NM_001164507.2, NM_001271208.2); c.12417G>A, p.Ala4139= (NM_004543.5).
Identifiers: ClinVar variation 386747 (VCV000386747.7), dbSNP rs372786852, ClinGen allele CA1908190.